The following is an entry in ClinVar:

NM_000400.4(ERCC2):c.1004G>A (p.Arg335Gln)

Gene: ERCC2 (ERCC excision repair 2, TFIIH core complex helicase subunit; minus strand). Cytogenetic location: 19q13.32.
Variant type: single nucleotide variant.
Coding change: c.1004G>A on transcript NM_000400.4 (MANE Select); coding-DNA position 1004, G replaced by A.
Protein change: p.Arg335Gln; replaces arginine 335 with glutamine.
Molecular consequence: missense variant.
Genome position (GRCh38, 1-based): chr19:45,363,857, C>T on the plus strand (G>A on the coding strand, the complement: ERCC2 is on the minus strand). VCF-style: chr19-45363857-C-T. GRCh37 (hg19) VCF-style: chr19-45867115-C-T.
Other names: c.932G>A, p.Arg311Gln (NM_001130867.2); short protein forms R311Q, R335Q.
Identifiers: ClinVar variation 1778790 (VCV001778790.3), dbSNP rs1324891873, ClinGen allele CA406372852.
Genomic context (GRCh38, chr19:45,363,857, plus strand): 5'-GGCGGGCTCTCCTGCACCACATGCTGCACACGCAGCCGCCACTTCACGTACTCCAGCAGC[C>T]GCCTCAGGAAGCCCAGGAAATGCTCGGCCGTGCGGATGGAGCCAGGCACTGCCTCTGCGA-3'
Protein context (NP_000391.1, residues 325-345): TAEHFLGFLR[Arg335Gln]LLEYVKWRLR

ClinVar aggregate classification (germline): Uncertain significance. Review status: criteria provided, multiple submitters, no conflicts (2 of 4 stars). 2 submissions from 2 submitters: Uncertain significance (2). Last evaluated 2024-07-23.

Conditions:
Inborn genetic diseases. Identifiers: MedGen C0950123, MeSH D030342.

Allele frequency attached by ClinVar (database versions not stated): gnomAD exomes 0.00001.
gnomAD v4.1: 3 of 1,551,046 alleles (0.00019%); highest among the groups gnomAD compares: East Asian, 0.0048%; no homozygotes.

Submissions (2):

Women's Health and Genetics/Laboratory Corporation of America, LabCorp
Classification: Uncertain significance. Last evaluated: 2024-07-23. Review status: criteria provided, single submitter. Criteria: LabCorp Variant Classification Summary - May 2015. Collection method: clinical testing. Allele origin: germline.
Comment: Variant summary: ERCC2 c.1004G>A (p.Arg335Gln) results in a conservative amino acid change located in the helical and beta-bridge domain (IPR010643) of the encoded protein sequence. Four of five in-silico tools predict a damaging effect of the variant on protein function. The variant allele was found at a frequency of 1.9e-05 in 159326 control chromosomes. The available data on variant occurrences in the general population are insufficient to allow any conclusion about variant significance. To our knowledge, no occurrence of c.1004G>A in individuals affected with Xeroderma Pigmentosum and no experimental evidence demonstrating its impact on protein function have been reported. ClinVar contains an entry for this variant (Variation ID: 1778790). Based on the evidence outlined above, the variant was classified as uncertain significance.

Ambry Genetics
Classification: Uncertain significance for Inborn genetic diseases. Last evaluated: 2024-03-24. Review status: criteria provided, single submitter. Criteria: Ambry Variant Classification Scheme 2023. Collection method: clinical testing. Allele origin: germline.
Comment: The p.R335Q variant (also known as c.1004G>A), located in coding exon 11 of the ERCC2 gene, results from a G to A substitution at nucleotide position 1004. The arginine at codon 335 is replaced by glutamine, an amino acid with highly similar properties. This amino acid position is conserved. In addition, this alteration is predicted to be deleterious by in silico analysis. Since supporting evidence is limited at this time, the clinical significance of this alteration remains unclear.